The following is an entry in ClinVar:

ClinVar aggregate classification (germline): Uncertain significance (1 of 4 stars; one submission).

Conditions:
Cortical dysplasia-focal epilepsy syndrome (PTHSL1). Also called: Pitt-Hopkins-like syndrome 1. Identifiers: Orphanet 163681, Orphanet 221150, MedGen C2750246, MONDO:0012400, OMIM 610042.

Submission:

Labcorp Genetics (formerly Invitae), Labcorp
Classification: Uncertain significance for Cortical dysplasia-focal epilepsy syndrome. Last evaluated: 2020-08-20. Review status: criteria provided, single submitter. Criteria: Invitae Variant Classification Sherloc (09022015). Collection method: clinical testing. Allele origin: germline.
Comment: In summary, the available evidence is currently insufficient to determine the role of this variant in disease. Therefore, it has been classified as a Variant of Uncertain Significance. Algorithms developed to predict the effect of missense changes on protein structure and function are either unavailable or do not agree on the potential impact of this missense change (SIFT: "Deleterious"; PolyPhen-2: "Probably Damaging"; Align-GVGD: "Class C0"). This variant has not been reported in the literature in individuals with CNTNAP2-related conditions. This variant is not present in population databases (ExAC no frequency). This sequence change replaces glycine with valine at codon 173 of the CNTNAP2 protein (p.Gly173Val). The glycine residue is moderately conserved and there is a moderate physicochemical difference between glycine and valine.

NM_014141.6(CNTNAP2):c.518G>T (p.Gly173Val)

Gene: CNTNAP2 (contactin associated protein 2; plus strand). Cytogenetic location: 7q35.
Variant type: single nucleotide variant.
Coding change: c.518G>T on transcript NM_014141.6 (MANE Select); coding-DNA position 518, G replaced by T.
Protein change: p.Gly173Val; replaces glycine 173 with valine.
Molecular consequence: missense variant.
Genome position (GRCh38, 1-based): chr7:147,044,022, G>T. VCF-style: chr7-147044022-G-T. GRCh37 (hg19) VCF-style: chr7-146741114-G-T.
Other names: short protein forms G173V.
Identifiers: ClinVar variation 1035619 (VCV001035619.9), dbSNP rs748668296, ClinGen allele CA369923625.